The following is an entry in ClinVar:

ClinVar aggregate classification (germline): Uncertain significance (1 of 4 stars; one submission).

Conditions:
Hepatic veno-occlusive disease-immunodeficiency syndrome. Also called: Hepatic Veno-Occlusive Disease with Immunodeficiency. Identifiers: Orphanet 79124, MedGen C1856128, MONDO:0009338, OMIM 235550. Disease mechanism: loss of function.

Allele frequency attached by ClinVar (database versions not stated): gnomAD exomes below 0.00001; TOPMed below 0.00001.

Submission:

Labcorp Genetics (formerly Invitae), Labcorp
Classification: Uncertain significance for Hepatic veno-occlusive disease-immunodeficiency syndrome. Last evaluated: 2022-06-13. Review status: criteria provided, single submitter. Criteria: Invitae Variant Classification Sherloc (09022015). Collection method: clinical testing. Allele origin: germline.
Comment: This sequence change replaces cysteine, which is neutral and slightly polar, with glycine, which is neutral and non-polar, at codon 541 of the SP110 protein (p.Cys541Gly). This variant is not present in population databases (gnomAD no frequency). This variant has not been reported in the literature in individuals affected with SP110-related conditions. ClinVar contains an entry for this variant (Variation ID: 1035597). Algorithms developed to predict the effect of missense changes on protein structure and function are either unavailable or do not agree on the potential impact of this missense change (SIFT: "Deleterious"; PolyPhen-2: "Possibly Damaging"; Align-GVGD: "Class C0"). In summary, the available evidence is currently insufficient to determine the role of this variant in disease. Therefore, it has been classified as a Variant of Uncertain Significance.

NM_080424.4(SP110):c.1621T>G (p.Cys541Gly)

Gene: SP110 (SP110 nuclear body protein; minus strand). Cytogenetic location: 2q37.1.
Variant type: single nucleotide variant.
Coding change: c.1621T>G on transcript NM_080424.4 (MANE Select); coding-DNA position 1621, T replaced by G.
Protein change: p.Cys541Gly; replaces cysteine 541 with glycine.
Molecular consequence: missense variant.
Genome position (GRCh38, 1-based): chr2:230,172,929, A>C on the plus strand (T>G on the coding strand, the complement: SP110 is on the minus strand). VCF-style: chr2-230172929-A-C. GRCh37 (hg19) VCF-style: chr2-231037645-A-C.
Other names: c.1639T>G, p.Cys547Gly (NM_001378442.1, NM_001378444.1, NM_001378445.1 and 1 more transcripts); c.1621T>G, p.Cys541Gly (NM_001378443.1, NM_004509.5); short protein forms C541G, C547G.
Identifiers: ClinVar variation 1035597 (VCV001035597.6), dbSNP rs2078487165, ClinGen allele CA350901658.